The following is an entry in ClinVar:

Conditions:
Long QT syndrome 5 (LQT5). Identifiers: Orphanet 101016, Orphanet 768, MedGen C1867904, MONDO:0013372, OMIM 613695.

Submission:

Roden Lab, Vanderbilt University Medical Center
No classification provided (evidence only). Condition: Long QT syndrome 5. Review status: no classification provided. Collection method: in vitro. Allele origin: not applicable. Functional consequence: Effect on ion channel function.
ClinVar note: "not provided" was previously submitted as the classification for the variant. However, the classification appeared to be based only on an observation of functional data so it was converted to no classification on 2025-07-30.

NM_000219.6(KCNE1):c.378G>T (p.Lys126Asn)

Gene: KCNE1 (potassium voltage-gated channel subfamily E regulatory subunit 1; minus strand). Cytogenetic location: 21q22.12.
Variant type: single nucleotide variant.
Coding change: c.378G>T on transcript NM_000219.6 (MANE Select); coding-DNA position 378, G replaced by T.
Protein change: p.Lys126Asn; replaces lysine 126 with asparagine.
Molecular consequence: missense variant.
Genome position (GRCh38, 1-based): chr21:34,449,257, C>A on the plus strand (G>T on the coding strand, the complement: KCNE1 is on the minus strand). VCF-style: chr21-34449257-C-A. GRCh37 (hg19) VCF-style: chr21-35821555-C-A.
Other names: c.378G>T, p.Lys126Asn (NM_001127668.4, NM_001127669.4, NM_001127670.4 and 4 more transcripts); short protein forms K126N.
Identifiers: ClinVar variation 3373865 (VCV003373865.2).